The following is an entry in ClinVar:

NM_021976.5(RXRB):c.641-6C>G

Gene: RXRB (retinoid X receptor beta; minus strand). Cytogenetic location: 6p21.32.
Variant type: single nucleotide variant.
Coding change: c.641-6C>G on transcript NM_021976.5 (MANE Select); 6 bases into the intron before coding-DNA position 641, C replaced by G.
Molecular consequence: intron variant.
Genome position (GRCh38, 1-based): chr6:33,197,947, G>C on the plus strand (C>G on the coding strand, the complement: RXRB is on the minus strand). VCF-style: chr6-33197947-G-C. GRCh37 (hg19) VCF-style: chr6-33165724-G-C.
Other names: NC_000006.11:g.33165724G>C; c.71-6C>G (NM_001291989.2); c.641-6C>G (NM_001270401.2).
Identifiers: ClinVar variation 3034436 (VCV003034436.3), dbSNP rs186232872, ClinGen allele CA3751990.

ClinVar aggregate classification (germline): Benign (0 of 4 stars; one submission).

Conditions:
RXRB-related disorder. Also called: RXRB-related condition.

Allele frequency attached by ClinVar (database versions not stated): gnomAD exomes 0.00126; ESP Exome Variant Server 0.00178; TOPMed 0.00224; gnomAD 0.00230; ExAC 0.00353; 1000 Genomes Project 30x 0.00390; 1000 Genomes Project 0.00419.

Submissions (6):

PreventionGenetics, part of Exact Sciences
Classification: Benign for RXRB-related condition. Last evaluated: 2019-06-18. Review status: no assertion criteria provided. Collection method: clinical testing. Allele origin: germline.
Comment: This variant is classified as benign based on ACMG/AMP sequence variant interpretation guidelines (Richards et al. 2015 PMID: 25741868, with internal and published modifications).

Dr. Peter K. Rogan Lab, Western University
No classification provided (evidence only). Condition: Familial cancer of breast. Review status: no classification provided. Collection method: in vitro. Allele origin: not applicable. Functional consequence: retained intron. Not counted in ClinVar's aggregate classification.

Dr. Peter K. Rogan Lab, Western University
No classification provided (evidence only). Condition: Acute myeloid leukemia. Review status: no classification provided. Collection method: in vitro. Allele origin: not applicable. Functional consequence: retained intron. Not counted in ClinVar's aggregate classification.

Dr. Peter K. Rogan Lab, Western University
No classification provided (evidence only). Condition: Uterine corpus endometrial carcinoma. Review status: no classification provided. Collection method: in vitro. Allele origin: not applicable. Functional consequence: retained intron. Not counted in ClinVar's aggregate classification.

Dr. Peter K. Rogan Lab, Western University
No classification provided (evidence only). Condition: Cervical cancer. Review status: no classification provided. Collection method: in vitro. Allele origin: not applicable. Functional consequence: retained intron. Not counted in ClinVar's aggregate classification.

Dr. Peter K. Rogan Lab, Western University
No classification provided (evidence only). Condition: Uveal melanoma. Review status: no classification provided. Collection method: in vitro. Allele origin: not applicable. Functional consequence: retained intron. Not counted in ClinVar's aggregate classification.